The following is an entry in ClinVar:

NM_001040142.2(SCN2A):c.122G>A (p.Arg41His)

Gene: SCN2A (sodium voltage-gated channel alpha subunit 2; plus strand). Cytogenetic location: 2q24.3.
Variant type: single nucleotide variant.
Coding change: c.122G>A on transcript NM_001040142.2 (MANE Select); coding-DNA position 122, G replaced by A.
Protein change: p.Arg41His; replaces arginine 41 with histidine.
Molecular consequence: missense variant.
Genome position (GRCh38, 1-based): chr2:165,295,945, G>A. VCF-style: chr2-165295945-G-A. GRCh37 (hg19) VCF-style: chr2-166152455-G-A.
Other names: c.122G>A, p.Arg41His (NM_001040143.2, NM_001371246.1, NM_001371247.1 and 1 more transcripts); short protein forms R41H.
Identifiers: ClinVar variation 893651 (VCV000893651.13), dbSNP rs754993031, ClinGen allele CA1939551.

ClinVar aggregate classification (germline): Conflicting classifications of pathogenicity. Review status: criteria provided, conflicting classifications (1 of 4 stars). 4 submissions from 4 submitters: Uncertain significance (2); Likely benign (2). Last evaluated 2023-05-17.

Conditions:
Seizures, benign familial infantile, 3 (BFIS3). Also called: Familial neonatal seizures; CONVULSIONS, BENIGN FAMILIAL INFANTILE, 3. Identifiers: Orphanet 140927, Orphanet 306, MedGen C1843140, MONDO:0011904, OMIM 607745.
Developmental and epileptic encephalopathy, 11 (DEE11). Also called: Early infantile epileptic encephalopathy 11. Identifiers: Orphanet 1934, MedGen C3150987, MONDO:0013388, OMIM 613721.
SCN2A-related disorder. Also called: SCN2A-related disorders; SCN2A-related condition. Identifiers: MedGen CN382226, MONDO:1060245.

Allele frequency attached by ClinVar (database versions not stated): gnomAD 0.00001; ExAC 0.00002; TOPMed 0.00002.
gnomAD v4.1: 11 of 1,613,978 alleles (0.00068%); highest among the groups gnomAD compares: Non-Finnish European, 0.00093%; no homozygotes.

Submissions (4):

PreventionGenetics, part of Exact Sciences
Classification: Uncertain significance for SCN2A-related condition. Last evaluated: 2023-05-17. Review status: criteria provided, single submitter. Criteria: ACMG Guidelines, 2015. Collection method: clinical testing. Allele origin: germline.
Comment: The SCN2A c.122G>A variant is predicted to result in the amino acid substitution p.Arg41His. To our knowledge, this variant has not been reported in the literature. This variant is reported in 0.0026% of alleles in individuals of European (Non-Finnish) descent in gnomAD. At this time, the clinical significance of this variant is uncertain due to the absence of conclusive functional and genetic evidence.

Labcorp Genetics (formerly Invitae), Labcorp
Classification: Likely benign for Seizures, benign familial infantile, 3; Developmental and epileptic encephalopathy, 11. Last evaluated: 2023-05-09. Review status: criteria provided, single submitter. Criteria: Invitae Variant Classification Sherloc (09022015). Collection method: clinical testing. Allele origin: germline.

GeneDx
Classification: Uncertain significance. Last evaluated: 2020-10-22. Review status: criteria provided, single submitter. Criteria: GeneDx Variant Classification Process June 2021. Collection method: clinical testing. Allele origin: germline. Affected: yes.
Comment: This substitution is predicted to be within the N-terminal cytoplasmic domain (Shi et al., 2012); Not observed at a significant frequency in large population cohorts (Lek et al., 2016); Missense variants in this gene are often considered pathogenic (Stenson et al., 2014); In silico analysis supports that this missense variant does not alter protein structure/function; Has not been previously published as pathogenic or benign to our knowledge

Illumina Laboratory Services, Illumina
Classification: Likely benign for Seizures, benign familial infantile, 3. Last evaluated: 2018-03-06. Review status: criteria provided, single submitter. Criteria: ICSL Variant Classification Criteria 13 December 2019. Collection method: clinical testing. Allele origin: germline.
Comment: This variant was observed in the ICSL laboratory as part of a predisposition screen in an ostensibly healthy population. It had not been previously curated by ICSL or reported in the Human Gene Mutation Database (HGMD: prior to June 1st, 2018), and was therefore a candidate for classification through an automated scoring system. Utilizing variant allele frequency, disease prevalence and penetrance estimates, and inheritance mode, an automated score was calculated to assess if this variant is too frequent to cause the disease. Based on the score and internal cut-off values, a variant classified as likely benign is not then subjected to further curation. The score for this variant resulted in a classification of likely benign for this disease.